The following is an entry in ClinVar:

ClinVar aggregate classification (germline): Benign. Review status: criteria provided, multiple submitters, no conflicts (2 of 4 stars). 2 submissions from 2 submitters: Benign (2). Last evaluated 2018-01-12.

Conditions:
Occult macular dystrophy (OCMD). Also called: OMD; OCCULT MACULAR DYSTROPHY, SUSCEPTIBILITY TO. Identifiers: Orphanet 247834, MedGen C3150833, MONDO:0013316, OMIM 613587, HP:0030636.

Allele frequency attached by ClinVar (database versions not stated): gnomAD exomes 0.13491; gnomAD 0.14841 and 0.15060; TOPMed 0.16041; 1000 Genomes Project 30x 0.19176; 1000 Genomes Project 0.19708.
gnomAD v4.1: 45,352 of 318,570 alleles (14%); highest among the groups gnomAD compares: East Asian, 41%; 4,077 homozygotes.

Submissions (2):

Illumina Laboratory Services, Illumina
Classification: Benign for Occult macular dystrophy. Last evaluated: 2018-01-12. Review status: criteria provided, single submitter. Criteria: ICSL Variant Classification Criteria 13 December 2019. Collection method: clinical testing. Allele origin: germline.
Comment: This variant was observed in the ICSL laboratory as part of a predisposition screen in an ostensibly healthy population. It had not been previously curated by ICSL or reported in the Human Gene Mutation Database (HGMD: prior to June 1st, 2018), and was therefore a candidate for classification through an automated scoring system. Utilizing variant allele frequency, disease prevalence and penetrance estimates, and inheritance mode, an automated score was calculated to assess if this variant is too frequent to cause the disease. Based on the score and internal cut-off values, a variant classified as benign is not then subjected to further curation. The score for this variant resulted in a classification of benign for this disease.

Breakthrough Genomics
Classification: Benign. Review status: criteria provided, single submitter. Criteria: ACMG Guidelines, 2015. Collection method: not provided. Allele origin: germline. Inheritance: Autosomal recessive inheritance. Affected: yes.

NM_178857.6(RP1L1):c.*335T>G

Gene: RP1L1 (RP1 like 1). Cytogenetic location: 8p23.1.
Variant type: single nucleotide variant.
Coding change: c.*335T>G on transcript NM_178857.6 (MANE Select); 335 bases downstream of the stop codon, T replaced by G.
Molecular consequence: 3 prime UTR variant.
Genome position (GRCh38, 1-based): chr8:10,606,560, A>C on the plus strand (T>G on the coding strand, the complement: RP1L1 is on the minus strand). VCF-style: chr8-10606560-A-C. GRCh37 (hg19) VCF-style: chr8-10464070-A-C.
Identifiers: ClinVar variation 361190 (VCV000361190.6), dbSNP rs58309857, ClinGen allele CA10624487.